The following is an entry in ClinVar:

NM_001130438.3(SPTAN1):c.7198A>C (p.Met2400Leu)

Gene: SPTAN1 (spectrin alpha, non-erythrocytic 1; plus strand). Cytogenetic location: 9q34.11.
Variant type: single nucleotide variant.
Coding change: c.7198A>C on transcript NM_001130438.3 (MANE Select); coding-DNA position 7198, A replaced by C.
Protein change: p.Met2400Leu; replaces methionine 2400 with leucine.
Molecular consequence: missense variant.
Genome position (GRCh38, 1-based): chr9:128,632,845, A>C. VCF-style: chr9-128632845-A-C. GRCh37 (hg19) VCF-style: chr9-131395124-A-C.
Other names: c.7123A>C, p.Met2375Leu (NM_001195532.2); c.7261A>C, p.Met2421Leu (NM_001363759.2); c.7138A>C, p.Met2380Leu (NM_001363765.2, NM_001375314.2); c.7285A>C, p.Met2429Leu (NM_001375310.1); c.7198A>C, p.Met2400Leu (NM_001375311.2); c.7234A>C, p.Met2412Leu (NM_001375312.2); c.7180A>C, p.Met2394Leu (NM_001375313.1); c.7297A>C, p.Met2433Leu (NM_001375318.1); and 1 more; short protein forms M2375L, M2433L, M2394L, M2395L, M2400L, M2412L, M2429L, M2380L.
Identifiers: ClinVar variation 1376219 (VCV001376219.9), dbSNP rs1339856488, ClinGen allele CA375101824.

ClinVar aggregate classification (germline): Uncertain significance (1 of 4 stars; one submission).

Conditions:
Early-infantile DEE. Also called: Ohtahara syndrome; Early infantile epileptic encephalopathy; Early infantile epileptic encephalopathy with suppression bursts. Identifiers: Orphanet 1934, MedGen C0393706, MONDO:0800491.

Submission:

Labcorp Genetics (formerly Invitae), Labcorp
Classification: Uncertain significance for Early-infantile DEE. Last evaluated: 2021-02-28. Review status: criteria provided, single submitter. Criteria: Invitae Variant Classification Sherloc (09022015). Collection method: clinical testing. Allele origin: germline.
Comment: This sequence change replaces methionine with leucine at codon 2400 of the SPTAN1 protein (p.Met2400Leu). The methionine residue is highly conserved and there is a small physicochemical difference between methionine and leucine. This variant is not present in population databases (ExAC no frequency). This variant has not been reported in the literature in individuals with SPTAN1-related conditions. Algorithms developed to predict the effect of missense changes on protein structure and function are either unavailable or do not agree on the potential impact of this missense change (SIFT: "Deleterious"; PolyPhen-2: "Benign"; Align-GVGD: "Class C0"). In summary, the available evidence is currently insufficient to determine the role of this variant in disease. Therefore, it has been classified as a Variant of Uncertain Significance.